The following is an entry in ClinVar:

ClinVar aggregate classification (germline): Likely benign. Review status: criteria provided, multiple submitters, no conflicts (2 of 4 stars). 3 submissions from 3 submitters: Likely benign (3). Last evaluated 2023-02-01.

Allele frequency attached by ClinVar (database versions not stated): gnomAD 0.00014; gnomAD exomes 0.00015 and 0.00035; TOPMed 0.00020; ExAC 0.00023; ESP Exome Variant Server 0.00023.
gnomAD v4.1: 260 of 1,613,120 alleles (0.016%); highest among the groups gnomAD compares: Admixed American, 0.0033%; no homozygotes.

Submissions (3):

CeGaT Center for Human Genetics Tuebingen
Classification: Likely benign. Last evaluated: 2023-02-01. Review status: criteria provided, single submitter. Criteria: CeGaT Center For Human Genetics Tuebingen Variant Classification Criteria Version 2. Collection method: clinical testing. Allele origin: germline. Affected: yes. Observed: 1 variant allele.
Comment: KIF25: BP4, BP7

Labcorp Genetics (formerly Invitae), Labcorp
Classification: Likely benign. Last evaluated: 2018-03-09. Review status: criteria provided, single submitter. Criteria: Invitae Variant Classification Sherloc (09022015). Collection method: clinical testing. Allele origin: germline.

Breakthrough Genomics
Classification: Likely benign. Review status: criteria provided, single submitter. Criteria: ACMG Guidelines, 2015. Collection method: not provided. Allele origin: germline. Inheritance: Unknown mechanism. Affected: yes.

NM_030615.4(KIF25):c.1062G>A (p.Leu354=)

Gene: KIF25 (kinesin family member 25; plus strand). Cytogenetic location: 6q27.
Variant type: single nucleotide variant.
Coding change: c.1062G>A on transcript NM_030615.4 (MANE Select); coding-DNA position 1062, G replaced by A.
Protein change: p.Leu354=; no amino-acid change (leucine 354 retained).
Molecular consequence: synonymous variant.
Genome position (GRCh38, 1-based): chr6:168,044,903, G>A. VCF-style: chr6-168044903-G-A. GRCh37 (hg19) VCF-style: chr6-168445583-G-A.
Other names: c.906G>A, p.Leu302= (NM_005355.5).
Identifiers: ClinVar variation 735807 (VCV000735807.28), dbSNP rs148150081, ClinGen allele CA4100820.
Genomic context (GRCh38, chr6:168,044,903, plus strand): 5'-ACTGGTGATTCTCTGCATTTCTCCCAGCCAGAGGCACCTGGCACAGACGTTGCAGGGCCT[G>A]GGTTTCGGGATCCGAGCTCGGCAAGTCCAGCGAGGCCCTGCCCGAAAGAAGCCGCCCAGC-3'
Protein context (NP_085118.2, residues 344-364): QRHLAQTLQG[Leu354=]GFGIRARQVQ